The following is an entry in ClinVar:

ClinVar aggregate classification (germline): Uncertain significance (1 of 4 stars; one submission).

Conditions:
Severe combined immunodeficiency due to DNA-PKcs deficiency. Also called: IMMUNODEFICIENCY 26 WITH NEUROLOGIC ABNORMALITIES; Immunodeficiency 26 with or without neurologic abnormalities. Identifiers: Orphanet 317425, MedGen C4014833, MONDO:0014423, OMIM 615966.

Allele frequency attached by ClinVar (database versions not stated): ExAC 0.00002; TOPMed 0.00003; gnomAD 0.00007 and 0.00008; ESP Exome Variant Server 0.00008.
gnomAD v4.1: 110 of 1,613,188 alleles (0.0068%); highest among the groups gnomAD compares: Non-Finnish European, 0.009%; no homozygotes.

Submission:

Labcorp Genetics (formerly Invitae), Labcorp
Classification: Uncertain significance for Severe combined immunodeficiency due to DNA-PKcs deficiency. Last evaluated: 2022-06-11. Review status: criteria provided, single submitter. Criteria: Invitae Variant Classification Sherloc (09022015). Collection method: clinical testing. Allele origin: germline.
Comment: This sequence change falls in intron 60 of the PRKDC gene. It does not directly change the encoded amino acid sequence of the PRKDC protein. It affects a nucleotide within the consensus splice site. This variant is present in population databases (rs376002667, gnomAD 0.01%). This variant has not been reported in the literature in individuals affected with PRKDC-related conditions. Variants that disrupt the consensus splice site are a relatively common cause of aberrant splicing (PMID: 17576681, 9536098). Algorithms developed to predict the effect of sequence changes on RNA splicing suggest that this variant may disrupt the consensus splice site. In summary, the available evidence is currently insufficient to determine the role of this variant in disease. Therefore, it has been classified as a Variant of Uncertain Significance.

Literature cited by the submitters: PubMed 17576681; PubMed 9536098.

NM_006904.7(PRKDC):c.8265+5G>A

Gene: PRKDC (protein kinase, DNA-activated, catalytic subunit; minus strand). Cytogenetic location: 8q11.21.
Variant type: single nucleotide variant.
Coding change: c.8265+5G>A on transcript NM_006904.7 (MANE Select); 5 bases into the intron after coding-DNA position 8265, G replaced by A.
Molecular consequence: intron variant.
Genome position (GRCh38, 1-based): chr8:47,831,809, C>T on the plus strand (G>A on the coding strand, the complement: PRKDC is on the minus strand). VCF-style: chr8-47831809-C-T. GRCh37 (hg19) VCF-style: chr8-48744370-C-T.
Other names: c.8265+5G>A (NM_001081640.2).
Identifiers: ClinVar variation 1399279 (VCV001399279.3), dbSNP rs376002667, ClinGen allele CA4739886.